The following is an entry in ClinVar:

ClinVar aggregate classification (germline): Conflicting classifications of pathogenicity. Review status: criteria provided, conflicting classifications (1 of 4 stars). 13 submissions from 13 submitters: Pathogenic (2); Likely pathogenic (2); Uncertain significance (9). Last evaluated 2026-05-21.

Conditions:
Inborn genetic diseases. Identifiers: MedGen C0950123, MeSH D030342.
Hereditary spastic paraplegia. Also called: Familial spastic paraparesis. Identifiers: Orphanet 685, MedGen C0037773, MONDO:0019064. Disease mechanism: loss of function.
Spastic paraplegia. Identifiers: MedGen C0037772, HP:0001258.
Hereditary spastic paraplegia 35. Also called: SPASTIC PARAPLEGIA 35, AUTOSOMAL RECESSIVE, WITH OR WITHOUT NEURODEGENERATION; LEUKODYSTROPHY, DYSMYELINATING, AND SPASTIC PARAPARESIS WITH OR WITHOUT DYSTONIA; Spastic paraplegia 35, autosomal recessive; Spastic paraplegia 35. Identifiers: Orphanet 171629, MedGen C3496228, MONDO:0012866, OMIM 612319.

Allele frequency attached by ClinVar (database versions not stated): ExAC 0.00035; gnomAD exomes 0.00038 and 0.00031; 1000 Genomes Project 30x 0.00016; 1000 Genomes Project 0.00020; TOPMed 0.00022; gnomAD 0.00024.
gnomAD v4.1: 557 of 1,551,336 alleles (0.036%); highest among the groups gnomAD compares: South Asian, 0.046%; no homozygotes.

Submissions (13):

Ambry Genetics
Classification: Uncertain significance for Inborn genetic diseases. Last evaluated: 2026-05-21. Review status: criteria provided, single submitter. Criteria: Ambry Variant Classification Scheme 2023. Collection method: clinical testing. Allele origin: germline.
Comment: The c.232G>A (p.E78K) alteration is located in exon 1 (coding exon 1) of the FA2H gene. This alteration results from a G to A substitution at nucleotide position 232, causing the glutamic acid (E) at amino acid position 78 to be replaced by a lysine (K). Based on data from gnomAD, the A allele has an overall frequency of 0.03% (61/202200) total alleles studied. The highest observed frequency was 0.059% (13/21966) of South Asian alleles. This variant has been identified in the homozygous state and/or in conjunction with other FA2H variants in individuals with features consistent with FA2H-related spastic paraplegia; in two instances, the variants were identified in trans (Rattay et al 2019; Shakya et al 2019). This amino acid position is highly conserved in available vertebrate species. The in silico prediction for this alteration is inconclusive. Based on insufficient or conflicting evidence, the clinical significance of this alteration remains unclear.

Labcorp Genetics (formerly Invitae), Labcorp
Classification: Pathogenic for Spastic paraplegia. Last evaluated: 2026-01-26. Review status: criteria provided, single submitter. Criteria: Invitae Variant Classification Sherloc (09022015). Collection method: clinical testing. Allele origin: germline.
Comment: This sequence change replaces glutamic acid, which is acidic and polar, with lysine, which is basic and polar, at codon 78 of the FA2H protein (p.Glu78Lys). This variant is present in population databases (rs527421775, gnomAD 0.06%). This missense change has been observed in individual(s) with FA2H related conditions (PMID: 31135052, 31429931). In at least one individual the data is consistent with being in trans (on the opposite chromosome) from a pathogenic variant. It has also been observed to segregate with disease in related individuals. ClinVar contains an entry for this variant (Variation ID: 320501). Invitae Evidence Modeling of protein sequence and biophysical properties (such as structural, functional, and spatial information, amino acid conservation, physicochemical variation, residue mobility, and thermodynamic stability) indicates that this missense variant is not expected to disrupt FA2H protein function with a negative predictive value of 80%. For these reasons, this variant has been classified as Pathogenic.

GeneDx
Classification: Uncertain significance. Last evaluated: 2025-11-05. Review status: criteria provided, single submitter. Criteria: GeneDx Variant Classification Process June 2021. Collection method: clinical testing. Allele origin: germline. Affected: yes.
Comment: Reported previously with another FA2H variant in several unrelated patients in the published literature with complicated HSP, but it is not known whether the variants occurred on the same (in cis) or on different (in trans) chromosomes in some cases (PMID: 31429931, 31135052); In silico analysis suggests that this missense variant does not alter protein structure/function; This variant is associated with the following publications: (PMID: 33144682, 24359114, 34983064, 37024536, 36790591, 31429931, 31135052)

Women's Health and Genetics/Laboratory Corporation of America, LabCorp
Classification: Uncertain significance. Last evaluated: 2025-05-20. Review status: criteria provided, single submitter. Criteria: LabCorp Variant Classification Summary - May 2015. Collection method: clinical testing. Allele origin: germline.
Comment: Variant summary: FA2H c.232G>A (p.Glu78Lys) results in a conservative amino acid change located in the Cytochrome b5-like heme/steroid binding domain (IPR001199) of the encoded protein sequence. Algorithms developed to predict the effect of missense changes on protein structure and function are either unavailable or do not agree on the potential impact of this missense change. The variant allele was found at a frequency of 0.00031 in 170850 control chromosomes. The observed variant frequency is approximately 1.64 fold of the estimated maximal expected allele frequency for a pathogenic variant in FA2H causing Neurodegeneration With Brain Iron Accumulation phenotype (0.00019). c.232G>A has been reported in the literature as a compound heterozygous genotype in settings of whole exome (WES) analysis among individuals presenting with early onset cerebellar ataxia (Shakya_2019), phenotypes from the neurodegeneration with brain iron accumulation (fatty acid hydroxylase- associated neurodegeneration, FAHN), hereditary spastic paraplegia (HSP type SPG35) and leukodystrophy (leukodystrophy with spasticity and dystonia) spectrum (Rattay_2019), and in an undiagnosed disease exome sequencing cohort (Klee_2021). These data indicate that the variant may be associated with disease. To our knowledge, no experimental evidence demonstrating an impact on protein function has been reported. The following publications have been ascertained in the context of this evaluation (PMID: 31429931, 33144682, 31135052). ClinVar contains an entry for this variant (Variation ID: 320501). Based on the evidence outlined above, the variant was classified as uncertain significance.

Blueprint Genetics
Classification: Uncertain significance. Last evaluated: 2024-10-18. Review status: criteria provided, single submitter. Criteria: ACMG Guidelines, 2015. Collection method: clinical testing. Allele origin: germline.

CeGaT Center for Human Genetics Tuebingen
Classification: Uncertain significance. Last evaluated: 2020-03-01. Review status: criteria provided, single submitter. Criteria: CeGaT Center For Human Genetics Tuebingen Variant Classification Criteria Version 2. Collection method: clinical testing. Allele origin: germline. Affected: yes. Observed: 1 variant allele.

Fulgent Genetics
Classification: Uncertain significance for Hereditary spastic paraplegia 35. Last evaluated: 2018-10-31. Review status: criteria provided, single submitter. Criteria: ACMG Guidelines, 2015. Collection method: clinical testing. Allele origin: unknown.

Illumina Laboratory Services, Illumina
Classification: Uncertain significance for Hereditary spastic paraplegia 35. Last evaluated: 2018-01-12. Review status: criteria provided, single submitter. Criteria: ICSL Variant Classification Criteria 13 December 2019. Collection method: clinical testing. Allele origin: germline.

Genome Diagnostics Laboratory, The Hospital for Sick Children
Classification: Uncertain significance for Hereditary spastic paraplegia. Last evaluated: 2016-12-12. Review status: criteria provided, single submitter. Criteria: ACMG Guidelines, 2015. Collection method: clinical testing. Allele origin: germline. Affected: yes.

Mayo Clinic Laboratories, Mayo Clinic
Classification: Uncertain significance for Hereditary spastic paraplegia 35. Last evaluated: 2016-07-01. Review status: criteria provided, single submitter. Criteria: ACMG Guidelines, 2015. Collection method: clinical testing. Allele origin: maternal.

Department of Medical Genetics, Sanjay Gandhi Post Graduate Institute of Medical Sciences
Classification: Likely pathogenic for Hereditary spastic paraplegia 35. Review status: criteria provided, single submitter. Criteria: ACMG Guidelines, 2015. Collection method: research. Allele origin: germline. Inheritance: Autosomal recessive inheritance. Affected: yes. Observed: 1 heterozygote.

Neuberg Centre For Genomic Medicine, NCGM
Classification: Likely pathogenic for Hereditary spastic paraplegia 35. Review status: criteria provided, single submitter. Criteria: ACMG Guidelines, 2015. Collection method: clinical testing. Allele origin: germline. Inheritance: Autosomal recessive inheritance. Affected: yes.
Comment: The above variant is only reported in compound heterozygous state with other variant in the literature, to our knowledge; hence its pathogenicity in homozygous is uncertain. It is reported in view of overlapping features with patient phenotype ; however careful clinical correlation is suggested. Variant is independently classified not considering its zygosity. For these reasons, this variant is classified as Likely pathogenic.

Paris Brain Institute, Inserm - ICM
Classification: Pathogenic for Hereditary spastic paraplegia 35. Review status: criteria provided, single submitter. Criteria: ACMG Guidelines, 2015. Collection method: clinical testing. Allele origin: unknown. Affected: yes. Observed: 1 variant allele.

Literature cited by the submitters: PubMed 31135052 (cited by 4 submitters); PubMed 31429931 (cited by 3 submitters); PubMed 33144682 (cited by Women's Health and Genetics/Laboratory Corporation of America, LabCorp); PubMed 36790591 (cited by Department of Medical Genetics, Sanjay Gandhi Post Graduate Institute of Medical Sciences).

NM_024306.5(FA2H):c.232G>A (p.Glu78Lys)

Gene: FA2H (fatty acid 2-hydroxylase; minus strand). Cytogenetic location: 16q23.1.
Variant type: single nucleotide variant.
Coding change: c.232G>A on transcript NM_024306.5 (MANE Select); coding-DNA position 232, G replaced by A.
Protein change: p.Glu78Lys; replaces glutamic acid 78 with lysine.
Molecular consequence: missense variant.
Genome position (GRCh38, 1-based): chr16:74,774,524, C>T on the plus strand (G>A on the coding strand, the complement: FA2H is on the minus strand). VCF-style: chr16-74774524-C-T. GRCh37 (hg19) VCF-style: chr16-74808422-C-T.
Other names: p.Glu78Lys; short protein forms E78K.
Identifiers: ClinVar variation 320501 (VCV000320501.74), dbSNP rs527421775, ClinGen allele CA8170617.